The following is an entry in ClinVar:

ClinVar aggregate classification (germline): Uncertain significance. Review status: criteria provided, multiple submitters, no conflicts (2 of 4 stars). 4 submissions from 4 submitters: Uncertain significance (4). Last evaluated 2025-07-10.

Conditions:
IFT140-related disorder. Also called: IFT140-related condition.
Saldino-Mainzer syndrome (SRTD9). Also called: short-rib thoracic dysplasia 9 with or without polydactyly; CONORENAL SYNDROME; Renal dysplasia, retinal pigmentary dystrophy, cerebellar ataxia and skeletal dysplasia; SHORT-RIB THORACIC DYSPLASIA 9 WITHOUT POLYDACTYLY. Identifiers: Orphanet 140969, MedGen C1849437, MONDO:0009964, OMIM 266920.
Retinitis pigmentosa 80 (RP80). Identifiers: MedGen C4540439, MONDO:0054708, OMIM 617781.

Allele frequency attached by ClinVar (database versions not stated): ExAC 0.00002; gnomAD exomes 0.00002 and 0.00003; TOPMed 0.00002; gnomAD 0.00003.
gnomAD v4.1: 47 of 1,612,330 alleles (0.0029%); highest among the groups gnomAD compares: Non-Finnish European, 0.0034%; no homozygotes.

Submissions (4):

PreventionGenetics, part of Exact Sciences
Classification: Uncertain significance for IFT140-related condition. Last evaluated: 2025-07-10. Review status: criteria provided, single submitter. Criteria: ACMG Guidelines, 2015. Collection method: clinical testing. Allele origin: germline.
Comment: The IFT140 c.4041-5G>A variant is predicted to interfere with splicing. This variant is predicted to alter splicing based on available splicing prediction programs (SpliceAI, Jaganathan et al. 2019. PubMed ID: 30661751). However, the use of computer prediction programs is not equivalent to functional evidence. To our knowledge, this variant has not been reported in the literature. This variant is reported in 0.0080% of alleles in individuals of European (Finnish) descent in gnomAD. At this time, the clinical significance of this variant is uncertain due to the absence of conclusive functional and genetic evidence.

Labcorp Genetics (formerly Invitae), Labcorp
Classification: Uncertain significance for Saldino-Mainzer syndrome. Last evaluated: 2025-04-23. Review status: criteria provided, single submitter. Criteria: Invitae Variant Classification Sherloc (09022015). Collection method: clinical testing. Allele origin: germline.
Comment: This sequence change falls in intron 29 of the IFT140 gene. It does not directly change the encoded amino acid sequence of the IFT140 protein. This variant is present in population databases (rs754813435, gnomAD 0.008%). This variant has not been reported in the literature in individuals affected with IFT140-related conditions. ClinVar contains an entry for this variant (Variation ID: 1063220). Algorithms developed to predict the effect of sequence changes on RNA splicing suggest that this variant may create or strengthen a splice site. In summary, the available evidence is currently insufficient to determine the role of this variant in disease. Therefore, it has been classified as a Variant of Uncertain Significance.

Fulgent Genetics
Classification: Uncertain significance for Saldino-Mainzer syndrome; Retinitis pigmentosa 80. Last evaluated: 2024-03-22. Review status: criteria provided, single submitter. Criteria: ACMG Guidelines, 2015. Collection method: clinical testing. Allele origin: germline.

Blueprint Genetics
Classification: Uncertain significance. Last evaluated: 2021-04-16. Review status: criteria provided, single submitter. Criteria: ACMG Guidelines, 2015. Collection method: clinical testing. Allele origin: germline.

NM_014714.4(IFT140):c.4041-5G>A

Gene: IFT140 (intraflagellar transport 140; minus strand). Cytogenetic location: 16p13.3.
Variant type: single nucleotide variant.
Coding change: c.4041-5G>A on transcript NM_014714.4 (MANE Select); 5 bases into the intron before coding-DNA position 4041, G replaced by A.
Molecular consequence: intron variant.
Genome position (GRCh38, 1-based): chr16:1,518,362, C>T on the plus strand (G>A on the coding strand, the complement: IFT140 is on the minus strand). VCF-style: chr16-1518362-C-T. GRCh37 (hg19) VCF-style: chr16-1568363-C-T.
Other names: c.4041-5G>A (NM_014714.3).
Identifiers: ClinVar variation 1063220 (VCV001063220.14), dbSNP rs754813435, ClinGen allele CA7812916.
Genomic context (GRCh38, chr16:1,518,362, plus strand): 5'-CCTCCAGGAGCAGCTCACACTGCTTGATGGACTCCTTGGGGTCCTCTGTGTACGTCCTGC[C>T]GAGAGCAGAGATGAGGCCTGGGCCCCGAAGCCCTGAACACCTACTGCTATCAGAGGTCAG-3'